The following is an entry in ClinVar:

NM_145290.4(ADGRA3):c.1924C>A (p.Arg642Ser)

Gene: ADGRA3 (adhesion G protein-coupled receptor A3; minus strand). Cytogenetic location: 4p15.2.
Variant type: single nucleotide variant.
Coding change: c.1924C>A on transcript NM_145290.4 (MANE Select); coding-DNA position 1924, C replaced by A.
Protein change: p.Arg642Ser; replaces arginine 642 with serine.
Molecular consequence: missense variant.
Genome position (GRCh38, 1-based): chr4:22,413,700, G>T on the plus strand (C>A on the coding strand, the complement: ADGRA3 is on the minus strand). VCF-style: chr4-22413700-G-T. GRCh37 (hg19) VCF-style: chr4-22415323-G-T.
Other names: c.1924C>A (NM_145290.2); short protein forms R642S.
Identifiers: ClinVar variation 1060099 (VCV001060099.11), dbSNP rs146115905, ClinGen allele CA2873785.
Genomic context (GRCh38, chr4:22,413,700, plus strand): 5'-GTTTTCCATCATCAGCCAAATTTGTTGAATTTCCAGTGGCTGGAAAAAGCTTTCCATTGC[G>T]GAATGCAATGAGTTGAAGCTTGTAAAGAGAGTCATCAGTTGGTCTGAGTTCTCTTTTTTG-3'
Protein context (NP_660333.2, residues 632-652): SLYKLQLIAF[Arg642Ser]NGKLFPATGN

ClinVar aggregate classification (germline): Uncertain significance. Review status: criteria provided, multiple submitters, no conflicts (2 of 4 stars). 2 submissions from 2 submitters: Uncertain significance (2). Last evaluated 2025-06-07.

Allele frequency attached by ClinVar (database versions not stated): ESP Exome Variant Server 0.00015.
gnomAD v4.1: 51 of 1,613,546 alleles (0.0032%); highest among the groups gnomAD compares: African/African-American, 0.0053%; no homozygotes.

Submissions (2):

Ambry Genetics
Classification: Uncertain significance. Last evaluated: 2025-06-07. Review status: criteria provided, single submitter. Criteria: Ambry Variant Classification Scheme 2023. Collection method: clinical testing. Allele origin: germline.

Labcorp Genetics (formerly Invitae), Labcorp
Classification: Uncertain significance. Last evaluated: 2025-05-29. Review status: criteria provided, single submitter. Criteria: Invitae Variant Classification Sherloc (09022015). Collection method: clinical testing. Allele origin: germline.
Comment: This sequence change replaces arginine, which is basic and polar, with serine, which is neutral and polar, at codon 642 of the ADGRA3 protein (p.Arg642Ser). This variant is present in population databases (rs146115905, gnomAD 0.006%). This variant has not been reported in the literature in individuals affected with ADGRA3-related conditions. ClinVar contains an entry for this variant (Variation ID: 1060099). An algorithm developed to predict the effect of missense changes on protein structure and function (PolyPhen-2) suggests that this variant is likely to be disruptive. In summary, the available evidence is currently insufficient to determine the role of this variant in disease. Therefore, it has been classified as a Variant of Uncertain Significance.